The following is an entry in ClinVar:

ClinVar aggregate classification (germline): Uncertain significance (1 of 4 stars; one submission).

Submission:

GeneDx
Classification: Uncertain significance. Last evaluated: 2024-12-29. Review status: criteria provided, single submitter. Criteria: GeneDx Variant Classification Process June 2021. Collection method: clinical testing. Allele origin: germline. Affected: yes.
Comment: Not observed at significant frequency in large population cohorts (gnomAD); In silico analysis supports that this missense variant has a deleterious effect on protein structure/function; Has not been previously published as pathogenic or benign to our knowledge

NM_001281740.3(FHOD3):c.3985T>C (p.Phe1329Leu)

Gene: FHOD3 (formin homology 2 domain containing 3; plus strand). Cytogenetic location: 18q12.2.
Variant type: single nucleotide variant.
Coding change: c.3985T>C on transcript NM_001281740.3 (MANE Select); coding-DNA position 3985, T replaced by C.
Protein change: p.Phe1329Leu; replaces phenylalanine 1329 with leucine.
Molecular consequence: missense variant.
Genome position (GRCh38, 1-based): chr18:36,744,137, T>C. VCF-style: chr18-36744137-T-C. GRCh37 (hg19) VCF-style: chr18-34324100-T-C.
Other names: c.3409T>C, p.Phe1137Leu (NM_001281739.3); c.3460T>C, p.Phe1154Leu (NM_025135.5); short protein forms F1137L, F1154L, F1329L.
Identifiers: ClinVar variation 3907704 (VCV003907704.1).